The following is an entry in ClinVar:

ClinVar aggregate classification (germline): Uncertain significance (1 of 4 stars; one submission).

Allele frequency attached by ClinVar (database versions not stated): ExAC 0.00004.
gnomAD v4.1: 15 of 1,613,956 alleles (0.00093%); highest among the groups gnomAD compares: South Asian, 0.016%; no homozygotes.

Submission:

Labcorp Genetics (formerly Invitae), Labcorp
Classification: Uncertain significance. Last evaluated: 2023-04-22. Review status: criteria provided, single submitter. Criteria: Invitae Variant Classification Sherloc (09022015). Collection method: clinical testing. Allele origin: germline.
Comment: This sequence change replaces glycine, which is neutral and non-polar, with glutamic acid, which is acidic and polar, at codon 307 of the PTPN23 protein (p.Gly307Glu). This variant is present in population databases (rs748891170, gnomAD 0.02%). This variant has not been reported in the literature in individuals affected with PTPN23-related conditions. ClinVar contains an entry for this variant (Variation ID: 1950079). Experimental studies and prediction algorithms are not available or were not evaluated, and the functional significance of this variant is currently unknown. In summary, the available evidence is currently insufficient to determine the role of this variant in disease. Therefore, it has been classified as a Variant of Uncertain Significance.

NM_015466.4(PTPN23):c.920G>A (p.Gly307Glu)

Gene: PTPN23 (protein tyrosine phosphatase non-receptor type 23; plus strand). Cytogenetic location: 3p21.31.
Variant type: single nucleotide variant.
Coding change: c.920G>A on transcript NM_015466.4 (MANE Select); coding-DNA position 920, G replaced by A.
Protein change: p.Gly307Glu; replaces glycine 307 with glutamic acid.
Molecular consequence: missense variant.
Genome position (GRCh38, 1-based): chr3:47,407,364, G>A. VCF-style: chr3-47407364-G-A. GRCh37 (hg19) VCF-style: chr3-47448854-G-A.
Other names: c.542G>A, p.Gly181Glu (NM_001304482.2); short protein forms G307E, G181E.
Identifiers: ClinVar variation 1950079 (VCV001950079.5), dbSNP rs748891170, ClinGen allele CA2365553.